The following is an entry in ClinVar:

NM_015378.4(VPS13D):c.12629C>T (p.Ala4210Val)

Gene: VPS13D (vacuolar protein sorting 13 homolog D; plus strand). Cytogenetic location: 1p36.22.
Variant type: single nucleotide variant.
Coding change: c.12629C>T on transcript NM_015378.4 (MANE Select); coding-DNA position 12629, C replaced by T.
Protein change: p.Ala4210Val; replaces alanine 4210 with valine.
Molecular consequence: missense variant.
Genome position (GRCh38, 1-based): chr1:12,460,363, C>T. VCF-style: chr1-12460363-C-T. GRCh37 (hg19) VCF-style: chr1-12520418-C-T.
Other names: VPS13D, ALA4210VAL (rs746736545); c.12554C>T, p.Ala4185Val (NM_018156.4); c.12629C>T, p.Ala4210Val (LRG_1213t1); short protein forms A4210V, A4185V.
Identifiers: ClinVar variation 561200 (VCV000561200.4), dbSNP rs746736545, ClinGen allele CA604251.

ClinVar aggregate classification (germline): Pathogenic. Review status: criteria provided, single submitter (1 of 4 stars). 2 submissions from 2 submitters: Pathogenic (1). 1 of the submissions does not count toward it. Last evaluated 2025-09-02.

Conditions:
Autosomal recessive cerebellar ataxia-saccadic intrusion syndrome. Also called: VPS13D Movement Disorder; SPINOCEREBELLAR ATAXIA 24. Identifiers: Orphanet 95434, MedGen C1846492, MONDO:0011811, OMIM 607317.

Allele frequency attached by ClinVar (database versions not stated): gnomAD 0.00001; ExAC 0.00002; gnomAD exomes 0.00002 and 0.00004; TOPMed 0.00002.
gnomAD v4.1: 28 of 1,608,828 alleles (0.0017%); highest among the groups gnomAD compares: Admixed American, 0.0067%; no homozygotes.

Submissions (2):

Labcorp Genetics (formerly Invitae), Labcorp
Classification: Pathogenic. Last evaluated: 2025-09-02. Review status: criteria provided, single submitter. Criteria: Invitae Variant Classification Sherloc (09022015). Collection method: clinical testing. Allele origin: germline.
Comment: This sequence change replaces alanine, which is neutral and non-polar, with valine, which is neutral and non-polar, at codon 4210 of the VPS13D protein (p.Ala4210Val). This variant is present in population databases (rs746736545, gnomAD 0.01%). This missense change has been observed in individuals with clinical features of spinocerebellar ataxia (PMID: 29604224, 36156252). It has also been observed to segregate with disease in related individuals. ClinVar contains an entry for this variant (Variation ID: 561200). Invitae Evidence Modeling of protein sequence and biophysical properties (such as structural, functional, and spatial information, amino acid conservation, physicochemical variation, residue mobility, and thermodynamic stability) indicates that this missense variant is expected to disrupt VPS13D protein function with a positive predictive value of 80%. For these reasons, this variant has been classified as Pathogenic.

OMIM
Classification: Pathogenic for SPINOCEREBELLAR ATAXIA, AUTOSOMAL RECESSIVE 4. Last evaluated: 2018-09-14. Review status: no assertion criteria provided. Collection method: literature only. Allele origin: germline. Not counted in ClinVar's aggregate classification.

Literature cited by the submitters: PubMed 29604224 (cited by Labcorp Genetics (formerly Invitae), Labcorp and OMIM); PubMed 36156252 (cited by Labcorp Genetics (formerly Invitae), Labcorp).